The following is an entry in ClinVar:

NM_003384.3(VRK1):c.1035G>T (p.Glu345Asp)

Gene: VRK1 (VRK serine/threonine kinase 1; plus strand). Cytogenetic location: 14q32.2.
Variant type: single nucleotide variant.
Coding change: c.1035G>T on transcript NM_003384.3 (MANE Select); coding-DNA position 1035, G replaced by T.
Protein change: p.Glu345Asp; replaces glutamic acid 345 with aspartic acid.
Molecular consequence: missense variant.
Genome position (GRCh38, 1-based): chr14:96,860,702, G>T. VCF-style: chr14-96860702-G-T. GRCh37 (hg19) VCF-style: chr14-97327039-G-T.
Other names: c.1035G>T, p.Glu345Asp (NM_001411051.1, NM_001411053.1); short protein forms E345D.
Identifiers: ClinVar variation 2170199 (VCV002170199.1), dbSNP rs1391025093, ClinGen allele CA390932256.

ClinVar aggregate classification (germline): Uncertain significance (1 of 4 stars; one submission).

Conditions:
Pontocerebellar hypoplasia type 1A (PCH1A). Also called: PONTOCEREBELLAR HYPOPLASIA WITH ANTERIOR HORN CELL DISEASE; PONTOCEREBELLAR HYPOPLASIA WITH INFANTILE SPINAL MUSCULAR ATROPHY. Identifiers: Orphanet 2254, Orphanet 88616, MedGen C1843504, MONDO:0011866, OMIM 607596.

Allele frequency attached by ClinVar (database versions not stated): gnomAD exomes below 0.00001; gnomAD 0.00001; TOPMed 0.00001.
gnomAD v4.1: 4 of 1,613,054 alleles (0.00025%); highest among the groups gnomAD compares: Non-Finnish European, 0.00034%; no homozygotes.

Submission:

Labcorp Genetics (formerly Invitae), Labcorp
Classification: Uncertain significance for Pontocerebellar hypoplasia type 1A. Last evaluated: 2021-09-01. Review status: criteria provided, single submitter. Criteria: Invitae Variant Classification Sherloc (09022015). Collection method: clinical testing. Allele origin: germline.
Comment: This sequence change replaces glutamic acid with aspartic acid at codon 345 of the VRK1 protein (p.Glu345Asp). The glutamic acid residue is moderately conserved and there is a small physicochemical difference between glutamic acid and aspartic acid. This variant is not present in population databases (ExAC no frequency). This variant has not been reported in the literature in individuals affected with VRK1-related conditions. Algorithms developed to predict the effect of missense changes on protein structure and function (SIFT, PolyPhen-2, Align-GVGD) all suggest that this variant is likely to be tolerated. In summary, the available evidence is currently insufficient to determine the role of this variant in disease. Therefore, it has been classified as a Variant of Uncertain Significance.